The following is an entry in ClinVar:

ClinVar aggregate classification (germline): Pathogenic (1 of 4 stars; one submission).

Submission:

Labcorp Genetics (formerly Invitae), Labcorp
Classification: Pathogenic. Last evaluated: 2021-04-19. Review status: criteria provided, single submitter. Criteria: Invitae Variant Classification Sherloc (09022015). Collection method: clinical testing. Allele origin: germline.
Comment: For these reasons, this variant has been classified as Pathogenic. This variant has not been reported in the literature in individuals with RTTN-related conditions. This variant is not present in population databases (ExAC no frequency). This sequence change creates a premature translational stop signal (p.Ile560Leufs*10) in the RTTN gene. It is expected to result in an absent or disrupted protein product. Loss-of-function variants in RTTN are known to be pathogenic (PMID: 26608784, 26846091).

Literature cited by the submitters: PubMed 26608784; PubMed 26846091.

NM_173630.4(RTTN):c.1678del (p.Ile560fs)

Gene: RTTN (rotatin; minus strand). Cytogenetic location: 18q22.2.
Variant type: Deletion.
Coding change: c.1678del on transcript NM_173630.4 (MANE Select); coding-DNA position 1678, one base deleted (A; older notation c.1678delA).
Protein change: p.Ile560fs; shifts the reading frame from isoleucine 560.
Molecular consequence: frameshift variant. On other transcripts: 5 prime UTR variant (1).
Genome position (GRCh38, 1-based): chr18:70,168,866, T deleted on the plus strand (A on the coding strand, the reverse complement: RTTN is on the minus strand). VCF-style (leftmost placement, unchanged base first): chr18-70168865-AT-A. GRCh37 (hg19) VCF-style: chr18-67836101-AT-A.
Other names: c.-970del (NM_001318520.2); short protein forms I560fs.
Identifiers: ClinVar variation 1452808 (VCV001452808.6), dbSNP rs2145924056, ClinGen allele CA2573155477.